The following is an entry in ClinVar:

ClinVar aggregate classification (germline): Uncertain significance (1 of 4 stars; one submission).

Conditions:
Long QT syndrome (LQTS). Identifiers: MedGen C0023976, MeSH D008133, MONDO:0002442. Disease mechanism: loss of function. Inheritance: Various modes of inheritance.

Submission:

Labcorp Genetics (formerly Invitae), Labcorp
Classification: Uncertain significance for Long QT syndrome. Last evaluated: 2024-06-02. Review status: criteria provided, single submitter. Criteria: Invitae Variant Classification Sherloc (09022015). Collection method: clinical testing. Allele origin: germline.
Comment: This sequence change replaces leucine, which is neutral and non-polar, with tryptophan, which is neutral and slightly polar, at codon 908 of the KCNH2 protein (p.Leu908Trp). This variant is not present in population databases (gnomAD no frequency). This variant has not been reported in the literature in individuals affected with KCNH2-related conditions. An algorithm developed to predict the effect of missense changes on protein structure and function (PolyPhen-2) suggests that this variant is likely to be tolerated. In summary, the available evidence is currently insufficient to determine the role of this variant in disease. Therefore, it has been classified as a Variant of Uncertain Significance.

NM_000238.4(KCNH2):c.2723T>G (p.Leu908Trp)

Gene: KCNH2 (potassium voltage-gated channel subfamily H member 2; minus strand). Cytogenetic location: 7q36.1.
Variant type: single nucleotide variant.
Coding change: c.2723T>G on transcript NM_000238.4 (MANE Select); coding-DNA position 2723, T replaced by G.
Protein change: p.Leu908Trp; replaces leucine 908 with tryptophan.
Molecular consequence: missense variant.
Genome position (GRCh38, 1-based): chr7:150,947,848, A>C on the plus strand (T>G on the coding strand, the complement: KCNH2 is on the minus strand). VCF-style: chr7-150947848-A-C. GRCh37 (hg19) VCF-style: chr7-150644936-A-C.
Other names: c.2435T>G, p.Leu812Trp (NM_001406753.1); c.1703T>G, p.Leu568Trp (NM_172057.3); short protein forms L568W, L812W, L908W.
Identifiers: ClinVar variation 3701722 (VCV003701722.2).
Genomic context (GRCh38, chr7:150,947,848, plus strand): 5'-CCCCACGGCCCCCCCGGCCGGCCCCGGCTACTCGGCCCTGCCCCCGCCCGGCCCGGCCCC[A>C]AGGCCGACACCTCCCCTGGCTGCTCCGTGTCTGTGGGAAACAGAGAATGGGCCTCAGAGA-3'
Protein context (NP_000229.1, residues 898-918): DTEQPGEVSA[Leu908Trp]GPGRAGAGPS